The following is an entry in ClinVar:

ClinVar aggregate classification (germline): Uncertain significance. Review status: criteria provided, multiple submitters, no conflicts (2 of 4 stars). 2 submissions from 2 submitters: Uncertain significance (2). Last evaluated 2025-12-13.

Conditions:
Ataxia-telangiectasia syndrome (AT). Also called: ATAXIA-TELANGIECTASIA, FRESNO VARIANT; Ataxia-telangiectasia, complementation group D; Cerebello-oculocutaneous telangiectasia; Immunodeficiency with ataxia telangiectasia; Ataxia-telangiectasia; Ataxia telangiectasia (A-T). Identifiers: Orphanet 100, MedGen C0004135, MONDO:0008840, OMIM 208900.
Hereditary cancer-predisposing syndrome. Also called: Neoplastic Syndromes, Hereditary; Hereditary neoplastic syndrome; Hereditary Cancer Syndrome; Tumor predisposition. Identifiers: Orphanet 140162, MedGen C0027672, MeSH D009386, MONDO:0015356.

Allele frequency attached by ClinVar (database versions not stated): TOPMed below 0.00001.

Submissions (2):

Ambry Genetics
Classification: Uncertain significance for Hereditary cancer-predisposing syndrome. Last evaluated: 2025-12-13. Review status: criteria provided, single submitter. Criteria: Ambry Variant Classification Scheme 2023. Collection method: clinical testing. Allele origin: germline.
Comment: The p.Q984R variant (also known as c.2951A>G), located in coding exon 19 of the ATM gene, results from an A to G substitution at nucleotide position 2951. The glutamine at codon 984 is replaced by arginine, an amino acid with highly similar properties. This amino acid position is conserved. In addition, this alteration is predicted to be deleterious by in silico analysis. Based on the available evidence, the clinical significance of this variant remains unclear.

Labcorp Genetics (formerly Invitae), Labcorp
Classification: Uncertain significance for Ataxia-telangiectasia syndrome. Last evaluated: 2022-06-22. Review status: criteria provided, single submitter. Criteria: Invitae Variant Classification Sherloc (09022015). Collection method: clinical testing. Allele origin: germline.
Comment: In summary, the available evidence is currently insufficient to determine the role of this variant in disease. Therefore, it has been classified as a Variant of Uncertain Significance. Advanced modeling of protein sequence and biophysical properties (such as structural, functional, and spatial information, amino acid conservation, physicochemical variation, residue mobility, and thermodynamic stability) performed at Invitae indicates that this missense variant is not expected to disrupt ATM protein function. ClinVar contains an entry for this variant (Variation ID: 653900). This variant has not been reported in the literature in individuals affected with ATM-related conditions. This variant is not present in population databases (gnomAD no frequency). This sequence change replaces glutamine, which is neutral and polar, with arginine, which is basic and polar, at codon 984 of the ATM protein (p.Gln984Arg).

NM_000051.4(ATM):c.2951A>G (p.Gln984Arg)

Gene: ATM (ATM serine/threonine kinase; plus strand). Cytogenetic location: 11q22.3.
Variant type: single nucleotide variant.
Coding change: c.2951A>G on transcript NM_000051.4 (MANE Select); coding-DNA position 2951, A replaced by G.
Protein change: p.Gln984Arg; replaces glutamine 984 with arginine.
Molecular consequence: missense variant.
Genome position (GRCh38, 1-based): chr11:108,271,280, A>G. VCF-style: chr11-108271280-A-G. GRCh37 (hg19) VCF-style: chr11-108142007-A-G.
Other names: c.2951A>G, p.Gln984Arg (NM_001351834.2); short protein forms Q984R.
Identifiers: ClinVar variation 653900 (VCV000653900.9), dbSNP rs1239016428, ClinGen allele CA382547183.